The following is an entry in ClinVar:

NM_014874.4(MFN2):c.890C>T (p.Ala297Val)

Gene: MFN2 (mitofusin 2; plus strand). Cytogenetic location: 1p36.22.
Variant type: single nucleotide variant.
Coding change: c.890C>T on transcript NM_014874.4 (MANE Select); coding-DNA position 890, C replaced by T.
Protein change: p.Ala297Val; replaces alanine 297 with valine.
Molecular consequence: missense variant.
Genome position (GRCh38, 1-based): chr1:12,001,474, C>T. VCF-style: chr1-12001474-C-T. GRCh37 (hg19) VCF-style: chr1-12061531-C-T.
Other names: c.890C>T, p.Ala297Val (NM_001127660.2); short protein forms A297V.
Identifiers: ClinVar variation 2821403 (VCV002821403.3), dbSNP rs2523054283, ClinGen allele CA338441771.
Genomic context (GRCh38, chr1:12,001,474, plus strand): 5'-ACATGGAGCGTTGTACCAGCTTCCTGGTGGATGAGCTGGGCGTGGTGGATCGATCCCAGG[C>T]CGGGGACCGCATCTTCTTTGTGTCTGCTAAGGAGGTGCTCAACGCCAGGATTCAGAAAGC-3'
Protein context (NP_055689.1, residues 287-307): DELGVVDRSQ[Ala297Val]GDRIFFVSAK

ClinVar aggregate classification (germline): Uncertain significance (1 of 4 stars; one submission).

Conditions:
Charcot-Marie-Tooth disease type 2. Also called: Charcot-Marie-Tooth type 2. Identifiers: Orphanet 64746, MedGen C0270914, MONDO:0018993.

Allele frequency attached by ClinVar (database versions not stated): gnomAD exomes below 0.00001.
gnomAD v4.1: 1 of 1,614,094 alleles (0.000062%); highest among the groups gnomAD compares: Non-Finnish European, 0.000085%; no homozygotes.

Submission:

Labcorp Genetics (formerly Invitae), Labcorp
Classification: Uncertain significance for Charcot-Marie-Tooth disease type 2. Last evaluated: 2024-10-25. Review status: criteria provided, single submitter. Criteria: Invitae Variant Classification Sherloc (09022015). Collection method: clinical testing. Allele origin: germline.
Comment: This sequence change replaces alanine, which is neutral and non-polar, with valine, which is neutral and non-polar, at codon 297 of the MFN2 protein (p.Ala297Val). This variant is not present in population databases (gnomAD no frequency). This variant has not been reported in the literature in individuals affected with MFN2-related conditions. Invitae Evidence Modeling of protein sequence and biophysical properties (such as structural, functional, and spatial information, amino acid conservation, physicochemical variation, residue mobility, and thermodynamic stability) has been performed for this missense variant. However, the output from this modeling did not meet the statistical confidence thresholds required to predict the impact of this variant on MFN2 protein function. In summary, the available evidence is currently insufficient to determine the role of this variant in disease. Therefore, it has been classified as a Variant of Uncertain Significance.